The following is an entry in ClinVar:

NM_000744.7(CHRNA4):c.1139G>A (p.Ser380Asn)

Gene: CHRNA4 (cholinergic receptor nicotinic alpha 4 subunit; minus strand). Cytogenetic location: 20q13.33.
Variant type: single nucleotide variant.
Coding change: c.1139G>A on transcript NM_000744.7 (MANE Select); coding-DNA position 1139, G replaced by A.
Protein change: p.Ser380Asn; replaces serine 380 with asparagine.
Molecular consequence: missense variant. On other transcripts: non-coding transcript variant (1).
Genome position (GRCh38, 1-based): chr20:63,350,272, C>T on the plus strand (G>A on the coding strand, the complement: CHRNA4 is on the minus strand). VCF-style: chr20-63350272-C-T. GRCh37 (hg19) VCF-style: chr20-61981624-C-T.
Other names: c.611G>A, p.Ser204Asn (NM_001256573.2); c.1139G>A (NM_000744.5); short protein forms S380N, S204N.
Identifiers: ClinVar variation 661161 (VCV000661161.11), dbSNP rs1601474256, ClinGen allele CA409634372.

ClinVar aggregate classification (germline): Uncertain significance. Review status: criteria provided, multiple submitters, no conflicts (2 of 4 stars). 2 submissions from 2 submitters: Uncertain significance (2). Last evaluated 2025-05-02.

Conditions:
Familial sleep-related hypermotor epilepsy. Also called: Autosomal Dominant Sleep-Related Hypermotor (Hyperkinetic) Epilepsy. Identifiers: Orphanet 98784, MedGen C3696898, MONDO:0000030.
Inborn genetic diseases. Identifiers: MedGen C0950123, MeSH D030342.

Submissions (2):

Labcorp Genetics (formerly Invitae), Labcorp
Classification: Uncertain significance. Last evaluated: 2025-05-02. Review status: criteria provided, single submitter. Criteria: Invitae Variant Classification Sherloc (09022015). Collection method: clinical testing. Allele origin: germline.
Comment: This sequence change replaces serine, which is neutral and polar, with asparagine, which is neutral and polar, at codon 380 of the CHRNA4 protein (p.Ser380Asn). This variant is not present in population databases (gnomAD no frequency). This variant has not been reported in the literature in individuals affected with CHRNA4-related conditions. ClinVar contains an entry for this variant (Variation ID: 661161). Invitae Evidence Modeling of protein sequence and biophysical properties (such as structural, functional, and spatial information, amino acid conservation, physicochemical variation, residue mobility, and thermodynamic stability) indicates that this missense variant is not expected to disrupt CHRNA4 protein function with a negative predictive value of 80%. In summary, the available evidence is currently insufficient to determine the role of this variant in disease. Therefore, it has been classified as a Variant of Uncertain Significance.

Ambry Genetics
Classification: Uncertain significance for Inborn genetic diseases. Last evaluated: 2024-07-14. Review status: criteria provided, single submitter. Criteria: Ambry Variant Classification Scheme 2023. Collection method: clinical testing. Allele origin: germline.